The following is an entry in ClinVar:

NM_001982.4(ERBB3):c.850G>A (p.Gly284Arg)

Gene: ERBB3 (erb-b2 receptor tyrosine kinase 3; plus strand). Cytogenetic location: 12q13.2.
Variant type: single nucleotide variant.
Coding change: c.850G>A on transcript NM_001982.4 (MANE Select); coding-DNA position 850, G replaced by A.
Protein change: p.Gly284Arg; replaces glycine 284 with arginine.
Molecular consequence: missense variant.
Genome position (GRCh38, 1-based): chr12:56,088,138, G>A. VCF-style: chr12-56088138-G-A. GRCh37 (hg19) VCF-style: chr12-56481922-G-A.
Other names: short protein forms G284R.
Identifiers: ClinVar variation 3764903 (VCV003764903.2), dbSNP rs1057519803.
Genomic context (GRCh38, chr12:56,088,138, plus strand): 5'-GTCTACAACAAGCTAACTTTCCAGCTGGAACCCAATCCCCACACCAAGTATCAGTATGGA[G>A]GAGTTTGTGTAGCCAGCTGTCCCCGTAAGTGTCTGAGGGGAAGGAACAATGATCAACAAT-3'
Protein context (NP_001973.2, residues 274-294): PNPHTKYQYG[Gly284Arg]VCVASCPHNF

ClinVar aggregate classification (somatic clinical impact): Tier II - Potential (1 of 4 stars; one submission).
ClinVar aggregate classification (oncogenicity): Likely oncogenic (1 of 4 stars; one submission).

Conditions:
Embryonal rhabdomyosarcoma (ERMS). Also called: Botryoid rhabdomyosarcoma (type of ERMS); Spindle cell rhabdomyosarcomas (type of ERMS). Identifiers: Orphanet 99757, MedGen C0206656, MONDO:0009993, HP:0006743.
Neoplasm. Also called: Neoplasms; Neoplasm (disease); tumor. Identifiers: MedGen C0027651, MeSH D009369, MONDO:0005070, HP:0002664.

Submissions (2):

Institute for Genomic Medicine (IGM) Clinical Laboratory, Nationwide Children's Hospital
Classification: Tier II - Potential for Embryonal rhabdomyosarcoma. Assertion type: diagnostic. Clinical significance: supports diagnosis. Last evaluated: 2025-04-08. Review status: criteria provided, single submitter. Criteria: AMP/ASCO/CAP Guidelines, 2017. Collection method: clinical testing. Allele origin: somatic. Affected: yes.
Comment: Variant has Tier II (potential) clinical significance as a diagnostic inclusion criterion in embryonal rhabdomyosarcoma, based on the following evidence: 1) Documented in one or more cancer databases (e.g., St. Jude Pecan, COSMIC, CIViC, OncoKB). 2) Information in the literature supports potential biologic effect of variant (PMID: 23680147). 3) Assists in diagnosis alone or along with other biomarkers based on small studies or few case reports (Evidence Level D; PMIDs: 23680147, 29360550, 29338072, 31663373, 39196362, 40178042).

Center for Genomic Medicine, Rigshospitalet, Copenhagen University Hospital
Classification: Likely oncogenic for Neoplasm. Last evaluated: 2025-03-04. Review status: criteria provided, single submitter. Criteria: ClinGen/CGC/VICC Guidelines for Oncogenicity, 2022. Collection method: clinical testing. Allele origin: somatic. Affected: yes.

Literature cited by the submitters: PubMed 23680147 (cited by Institute for Genomic Medicine (IGM) Clinical Laboratory, Nationwide Children's Hospital and Center for Genomic Medicine, Rigshospitalet, Copenhagen University Hospital); PubMed 29360550 (cited by Institute for Genomic Medicine (IGM) Clinical Laboratory, Nationwide Children's Hospital); PubMed 29338072 (cited by Institute for Genomic Medicine (IGM) Clinical Laboratory, Nationwide Children's Hospital); PubMed 31663373 (cited by Institute for Genomic Medicine (IGM) Clinical Laboratory, Nationwide Children's Hospital); PubMed 39196362 (cited by Institute for Genomic Medicine (IGM) Clinical Laboratory, Nationwide Children's Hospital); PubMed 40178042 (cited by Institute for Genomic Medicine (IGM) Clinical Laboratory, Nationwide Children's Hospital); PubMed 29963236 (cited by Center for Genomic Medicine, Rigshospitalet, Copenhagen University Hospital).